The following is an entry in ClinVar:

NM_006978.3(RNF113A):c.452A>G (p.Lys151Arg)

Gene: RNF113A (ring finger protein 113A; minus strand). Cytogenetic location: Xq24.
Variant type: single nucleotide variant.
Coding change: c.452A>G on transcript NM_006978.3 (MANE Select); coding-DNA position 452, A replaced by G.
Protein change: p.Lys151Arg; replaces lysine 151 with arginine.
Molecular consequence: missense variant.
Genome position (GRCh38, 1-based): chrX:119,871,162, T>C on the plus strand (A>G on the coding strand, the complement: RNF113A is on the minus strand). VCF-style: chrX-119871162-T-C. GRCh37 (hg19) VCF-style: chrX-119005125-T-C.
Other names: short protein forms K151R.
Identifiers: ClinVar variation 2963291 (VCV002963291.3), dbSNP rs769381347, ClinGen allele CA10503462.

ClinVar aggregate classification (germline): Uncertain significance (1 of 4 stars; one submission).

Allele frequency attached by ClinVar (database versions not stated): ExAC 0.00001; gnomAD exomes 0.00002.

Submission:

Labcorp Genetics (formerly Invitae), Labcorp
Classification: Uncertain significance. Last evaluated: 2022-11-23. Review status: criteria provided, single submitter. Criteria: Invitae Variant Classification Sherloc (09022015). Collection method: clinical testing. Allele origin: germline.
Comment: This sequence change replaces lysine, which is basic and polar, with arginine, which is basic and polar, at codon 151 of the RNF113A protein (p.Lys151Arg). This variant is present in population databases (rs769381347, gnomAD 0.002%). This variant has not been reported in the literature in individuals affected with RNF113A-related conditions. Algorithms developed to predict the effect of missense changes on protein structure and function (SIFT, PolyPhen-2, Align-GVGD) all suggest that this variant is likely to be tolerated. In summary, the available evidence is currently insufficient to determine the role of this variant in disease. Therefore, it has been classified as a Variant of Uncertain Significance.